The following is an entry in ClinVar:

ClinVar aggregate classification (germline): Uncertain significance (1 of 4 stars; one submission).

Allele frequency attached by ClinVar (database versions not stated): ExAC 0.00006; gnomAD 0.00014 and 0.00015; 1000 Genomes Project 0.00040; 1000 Genomes Project 30x 0.00062.
gnomAD v4.1: 164 of 1,613,064 alleles (0.01%); highest among the groups gnomAD compares: African/African-American, 0.048%; no homozygotes.

Submission:

Labcorp Genetics (formerly Invitae), Labcorp
Classification: Uncertain significance. Last evaluated: 2024-06-30. Review status: criteria provided, single submitter. Criteria: Invitae Variant Classification Sherloc (09022015). Collection method: clinical testing. Allele origin: germline.
Comment: This sequence change replaces serine, which is neutral and polar, with leucine, which is neutral and non-polar, at codon 583 of the GCKR protein (p.Ser583Leu). This variant is present in population databases (rs201837546, gnomAD 0.05%). This missense change has been observed in individual(s) with dyslipidemia (PMID: 36325899). ClinVar contains an entry for this variant (Variation ID: 1439215). An algorithm developed to predict the effect of missense changes on protein structure and function (PolyPhen-2) suggests that this variant is likely to be disruptive. In summary, the available evidence is currently insufficient to determine the role of this variant in disease. Therefore, it has been classified as a Variant of Uncertain Significance.

Literature cited by the submitters: PubMed 36325899.

NM_001486.4(GCKR):c.1748C>T (p.Ser583Leu)

Gene: GCKR (glucokinase regulator; plus strand). Cytogenetic location: 2p23.3.
Variant type: single nucleotide variant.
Coding change: c.1748C>T on transcript NM_001486.4 (MANE Select); coding-DNA position 1748, C replaced by T.
Protein change: p.Ser583Leu; replaces serine 583 with leucine.
Molecular consequence: missense variant.
Genome position (GRCh38, 1-based): chr2:27,523,309, C>T. VCF-style: chr2-27523309-C-T. GRCh37 (hg19) VCF-style: chr2-27746176-C-T.
Other names: short protein forms S583L.
Identifiers: ClinVar variation 1439215 (VCV001439215.6), dbSNP rs201837546, ClinGen allele CA1582111.
Genomic context (GRCh38, chr2:27,523,309, plus strand): 5'-CCACTGCCTCTTCCCCACAGGTGATACCCATCGCCTTGCTGAGCCTCCTATTCCGGTGCT[C>T]GATCACTGAGGCTCAGGCACACCTGGCTGCAGCTCCTTCTGTCTGTGAGGCTGTCAGGAG-3'
Protein context (NP_001477.2, residues 573-593): IALLSLLFRC[Ser583Leu]ITEAQAHLAA